The following is an entry in ClinVar:

ClinVar aggregate classification (germline): Uncertain significance. Review status: criteria provided, multiple submitters, no conflicts (2 of 4 stars). 3 submissions from 3 submitters: Uncertain significance (3). Last evaluated 2026-08-14.

Conditions:
Cardiovascular phenotype. Identifiers: MedGen CN230736.
VCL-related disorder. Also called: VCL-related condition.
Dilated cardiomyopathy 1W (CMD1W). Identifiers: Orphanet 154, MedGen C1969639, MONDO:0012667, OMIM 611407.

Allele frequency attached by ClinVar (database versions not stated): gnomAD exomes below 0.00001; ExAC 0.00001; TOPMed 0.00002; gnomAD 0.00003.
gnomAD v4.1: 7 of 1,614,072 alleles (0.00043%); highest among the groups gnomAD compares: Non-Finnish European, 0.00059%; no homozygotes.

Submissions (3):

PreventionGenetics, part of Exact Sciences
Classification: Uncertain significance for VCL-related condition. Last evaluated: 2026-08-14. Review status: criteria provided, single submitter. Criteria: ACMG Guidelines, 2015. Collection method: clinical testing. Allele origin: germline.
Comment: The VCL c.2219C>T variant is predicted to result in the amino acid substitution p.Ala740Val. To our knowledge, this variant has not been reported in the literature or in a large population database (gnomAD), indicating this variant is rare. At this time, the clinical significance of this variant is uncertain due to the absence of conclusive functional and genetic evidence.

Ambry Genetics
Classification: Uncertain significance for Cardiovascular phenotype. Last evaluated: 2026-01-12. Review status: criteria provided, single submitter. Criteria: Ambry Variant Classification Scheme 2023. Collection method: clinical testing. Allele origin: germline.
Comment: The p.A740V variant (also known as c.2219C>T), located in coding exon 16 of the VCL gene, results from a C to T substitution at nucleotide position 2219. The alanine at codon 740 is replaced by valine, an amino acid with similar properties. This amino acid position is conserved. In addition, this alteration is predicted to be deleterious by in silico analysis. Based on the available evidence, the clinical significance of this variant remains unclear.

Labcorp Genetics (formerly Invitae), Labcorp
Classification: Uncertain significance for Dilated cardiomyopathy 1W. Last evaluated: 2025-03-05. Review status: criteria provided, single submitter. Criteria: Invitae Variant Classification Sherloc (09022015). Collection method: clinical testing. Allele origin: germline.
Comment: This sequence change replaces alanine, which is neutral and non-polar, with valine, which is neutral and non-polar, at codon 740 of the VCL protein (p.Ala740Val). This variant is present in population databases (rs775403638, gnomAD 0.0009%). This variant has not been reported in the literature in individuals affected with VCL-related conditions. ClinVar contains an entry for this variant (Variation ID: 1787887). An algorithm developed to predict the effect of missense changes on protein structure and function (PolyPhen-2) suggests that this variant is likely to be disruptive. In summary, the available evidence is currently insufficient to determine the role of this variant in disease. Therefore, it has been classified as a Variant of Uncertain Significance.

NM_014000.3(VCL):c.2219C>T (p.Ala740Val)

Gene: VCL (vinculin; plus strand). Cytogenetic location: 10q22.2.
Variant type: single nucleotide variant.
Coding change: c.2219C>T on transcript NM_014000.3 (MANE Select); coding-DNA position 2219, C replaced by T.
Protein change: p.Ala740Val; replaces alanine 740 with valine.
Molecular consequence: missense variant.
Genome position (GRCh38, 1-based): chr10:74,105,138, C>T. VCF-style: chr10-74105138-C-T. GRCh37 (hg19) VCF-style: chr10-75864896-C-T.
Other names: c.2219C>T, p.Ala740Val (NM_003373.4); short protein forms A740V.
Identifiers: ClinVar variation 1787887 (VCV001787887.10), dbSNP rs775403638, ClinGen allele CA5563179.
Genomic context (GRCh38, chr10:74,105,138, plus strand): 5'-AATCTCTGTTGGATGCTTCAGAAGAAGCAATTAAAAAAGACCTGGACAAGTGCAAGGTAG[C>T]TATGGCCAACATTCAGCCTCAGATGCTGGTTGCTGGGGCAACCAGTATTGCTCGTCGGGC-3'
Protein context (NP_054706.1, residues 730-750): IKKDLDKCKV[Ala740Val]MANIQPQMLV